The following is an entry in ClinVar:

ClinVar aggregate classification (germline): Uncertain significance (1 of 4 stars; one submission).

Allele frequency attached by ClinVar (database versions not stated): gnomAD exomes below 0.00001.

Submission:

Labcorp Genetics (formerly Invitae), Labcorp
Classification: Uncertain significance. Last evaluated: 2023-04-22. Review status: criteria provided, single submitter. Criteria: Invitae Variant Classification Sherloc (09022015). Collection method: clinical testing. Allele origin: germline.
Comment: This sequence change creates a premature translational stop signal (p.Gln459*) in the GUF1 gene. It is expected to result in an absent or disrupted protein product. However, the current clinical and genetic evidence is not sufficient to establish whether loss-of-function variants in GUF1 cause disease. This variant is not present in population databases (gnomAD no frequency). This variant has not been reported in the literature in individuals affected with GUF1-related conditions. In summary, the available evidence is currently insufficient to determine the role of this variant in disease. Therefore, it has been classified as a Variant of Uncertain Significance.

NM_021927.3(GUF1):c.1375C>T (p.Gln459Ter)

Gene: GUF1 (GTP binding elongation factor GUF1; plus strand). Cytogenetic location: 4p12.
Variant type: single nucleotide variant.
Coding change: c.1375C>T on transcript NM_021927.3 (MANE Select); coding-DNA position 1375, C replaced by T.
Protein change: p.Gln459Ter; replaces glutamine 459 with a stop codon.
Molecular consequence: nonsense.
Genome position (GRCh38, 1-based): chr4:44,690,756, C>T. VCF-style: chr4-44690756-C-T. GRCh37 (hg19) VCF-style: chr4-44692773-C-T.
Other names: c.403C>T, p.Gln135Ter (NM_001345867.2, NM_001345869.2); c.1375C>T, p.Gln459Ter (NM_001345868.2); short protein forms Q135*, Q459*.
Identifiers: ClinVar variation 2966870 (VCV002966870.3), dbSNP rs1715385972, ClinGen allele CA356763809.